The following is an entry in ClinVar:

ClinVar aggregate classification (germline): Pathogenic (1 of 4 stars; one submission).

Conditions:
Cystic fibrosis (CF). Also called: MUCOVISCIDOSIS. Identifiers: Orphanet 586, MedGen C0010674, MONDO:0009061, OMIM 219700. Disease mechanism: loss of function.

Submission:

Labcorp Genetics (formerly Invitae), Labcorp
Classification: Pathogenic for Cystic fibrosis. Last evaluated: 2018-02-09. Review status: criteria provided, single submitter. Criteria: Invitae Variant Classification Sherloc (09022015). Collection method: clinical testing. Allele origin: germline.
Comment: This variant is an in-frame deletion of the genomic region encompassing exons 4-11 of the CFTR gene. It preserves the integrity of the reading frame. This deletion has been observed on the opposite chromosome (in trans) from a pathogenic variant in individuals affected with cystic fibrosis (PMID: 9452112, 24649380). This finding is consistent with autosomal recessive inheritance, and suggests that this variant contributes to disease. Similar in-frame deletions of exons 4-7 and exons 4-10 have been reported in individuals affected with cystic fibrosis (PMID: 9452112, 26708955). Deletion of exons 4-10 is also known as deletion of exons 4-11 in the literature. Multiple missense substitutions, including â€šÃ ÃœF508 and p.Arg347His, located within the deleted region are well-established pathogenic variants (PMID: 2475911, 15371902, 23974870). This suggests that this region is critical for CFTR protein function and that deletion of this region may also be pathogenic. For these reasons, this variant has been classified as Pathogenic.

Literature cited by the submitters: PubMed 9452112; PubMed 15371902; PubMed 2475911; PubMed 24649380; PubMed 23974870; PubMed 26708955.

NC_000007.14:g.(?_117530893)_(117559661_?)del

Genes: CFTR (CF transmembrane conductance regulator; plus strand), CFTR-AS1 (CFTR antisense RNA 1; minus strand), LOC113219471 (greater CFTR locus negative regulatory element CR19; plus strand). Cytogenetic location: 7q31.2.
Variant type: Deletion.
Identifiers: ClinVar variation 583471 (VCV000583471.1).